The following is an entry in ClinVar:

NM_012205.3(HAAO):c.382_385del (p.Phe128fs)

Gene: HAAO (3-hydroxyanthranilate 3,4-dioxygenase; minus strand). Cytogenetic location: 2p21.
Variant type: Deletion.
Coding change: c.382_385del on transcript NM_012205.3 (MANE Select); coding-DNA positions 382 to 385, 4 bases deleted (TTTG; older notation c.382_385delTTTG).
Protein change: p.Phe128fs; shifts the reading frame from phenylalanine 128.
Molecular consequence: frameshift variant.
Genome position (GRCh38, 1-based): chr2:42,770,548-42,770,551, CAAA deleted on the plus strand (TTTG on the coding strand, the reverse complement: HAAO is on the minus strand); deleting any 4 consecutive bases within chr2:42,770,548-42,770,553 gives the same sequence; the c. name uses the placement nearest the transcript's 3' end. VCF-style (leftmost placement, unchanged base first): chr2-42770547-TCAAA-T. GRCh37 (hg19) VCF-style: chr2-42997687-TCAAA-T.
Other names: c.382_385delTTTG (NM_012205.3); short protein forms F128fs.
Identifiers: ClinVar variation 4532199 (VCV004532199.2).

ClinVar aggregate classification (germline): Pathogenic/Likely pathogenic. Review status: criteria provided, multiple submitters, no conflicts (2 of 4 stars). 2 submissions from 2 submitters: Pathogenic (1); Likely pathogenic (1). Last evaluated 2025-09-30.

Conditions:
Vertebral, cardiac, renal, and limb defects syndrome 1. Also called: 3-HYDROXYANTHRANILIC ACIDEMIA; CONGENITAL NAD DEFICIENCY DISORDER 1. Identifiers: MedGen C4540004, MONDO:0060554, OMIM 617660.
Monogenic hearing loss.

Submissions (2):

Genetics Laboratory, Great Ormond Street Hospital NHS Foundation Trust, North Thames Genomic Laboratory Hub
Classification: Pathogenic for Monogenic hearing loss. Last evaluated: 2025-09-30. Review status: criteria provided, single submitter. Criteria: ACGS Best Practice Guidelines for Variant Classification in Rare Disease 2024 v1.2. Collection method: clinical testing. Allele origin: germline. Affected: yes.
Comment: PM2_moderate, PVS1_very-strong

First Genomix Gene Laboratory, Genetic Diagnostics Department
Classification: Likely pathogenic for Vertebral, cardiac, renal, and limb defects syndrome 1. Last evaluated: 2025-05-23. Review status: criteria provided, single submitter. Criteria: ACMG Guidelines, 2015. Collection method: clinical testing. Allele origin: germline. Inheritance: Autosomal recessive inheritance. Affected: no. Observed: 1 variant allele.